The following is an entry in ClinVar:

NM_053056.3(CCND1):c.735G>A (p.Arg245=)

Gene: CCND1 (cyclin D1; plus strand). Cytogenetic location: 11q13.3.
Variant type: single nucleotide variant.
Coding change: c.735G>A on transcript NM_053056.3 (MANE Select); coding-DNA position 735, G replaced by A.
Protein change: p.Arg245=; no amino-acid change (arginine 245 retained).
Molecular consequence: synonymous variant.
Genome position (GRCh38, 1-based): chr11:69,651,129, G>A. VCF-style: chr11-69651129-G-A. GRCh37 (hg19) VCF-style: chr11-69465897-G-A.
Identifiers: ClinVar variation 736722 (VCV000736722.28), dbSNP rs201299704, ClinGen allele CA6156299.

ClinVar aggregate classification (germline): Benign/Likely benign. Review status: criteria provided, multiple submitters, no conflicts (2 of 4 stars). 3 submissions from 3 submitters: Benign (2); Likely benign (1). Last evaluated 2022-09-01.

Allele frequency attached by ClinVar (database versions not stated): ESP Exome Variant Server 0.00008; TOPMed 0.00040; gnomAD 0.00042 and 0.00057; gnomAD exomes 0.00049 and 0.00090; 1000 Genomes Project 30x 0.00094; 1000 Genomes Project 0.00100; ExAC 0.00111.
gnomAD v4.1: 811 of 1,612,858 alleles (0.05%); highest among the groups gnomAD compares: South Asian, 0.54%; 14 homozygotes.

Submissions (3):

CeGaT Center for Human Genetics Tuebingen
Classification: Likely benign. Last evaluated: 2022-09-01. Review status: criteria provided, single submitter. Criteria: CeGaT Center For Human Genetics Tuebingen Variant Classification Criteria Version 2. Collection method: clinical testing. Allele origin: germline. Affected: yes. Observed: 1 variant allele.
Comment: CCND1: BP4, BP7

Labcorp Genetics (formerly Invitae), Labcorp
Classification: Benign. Last evaluated: 2018-07-10. Review status: criteria provided, single submitter. Criteria: Invitae Variant Classification Sherloc (09022015). Collection method: clinical testing. Allele origin: germline.

Breakthrough Genomics
Classification: Benign. Review status: criteria provided, single submitter. Criteria: ACMG Guidelines, 2015. Collection method: not provided. Allele origin: germline. Inheritance: Autosomal dominant inheritance. Affected: yes.